The following is an entry in ClinVar:

NM_021961.6(TEAD1):c.403G>A (p.Ala135Thr)

Gene: TEAD1 (TEA domain transcription factor 1; plus strand). Cytogenetic location: 11p15.3.
Variant type: single nucleotide variant.
Coding change: c.403G>A on transcript NM_021961.6 (MANE Select); coding-DNA position 403, G replaced by A.
Protein change: p.Ala135Thr; replaces alanine 135 with threonine.
Molecular consequence: missense variant.
Genome position (GRCh38, 1-based): chr11:12,879,780, G>A. VCF-style: chr11-12879780-G-A. GRCh37 (hg19) VCF-style: chr11-12901327-G-A.
Other names: short protein forms A135T.
Identifiers: ClinVar variation 1054987 (VCV001054987.8), dbSNP rs368995296, ClinGen allele CA5891588.
Genomic context (GRCh38, chr11:12,879,780, plus strand): 5'-AAGGATAAGGCCCTGCAGCACATGGCGGCCATGTCCTCAGCCCAGATCGTCTCGGCCACT[G>A]CCATTCATAACAAGCTGGGGCTGCCTGGGATTCCACGCCCGACCTTCCCAGGGGCGCCGG-3'
Protein context (NP_068780.2, residues 125-145): MSSAQIVSAT[Ala135Thr]IHNKLGLPGI

ClinVar aggregate classification (germline): Uncertain significance (1 of 4 stars; one submission).

Allele frequency attached by ClinVar (database versions not stated): ESP Exome Variant Server 0.00008; ExAC 0.00002; gnomAD 0.00002 and 0.00003; gnomAD exomes 0.00002 and 0.00004; TOPMed 0.00004.
gnomAD v4.1: 72 of 1,614,046 alleles (0.0045%); highest among the groups gnomAD compares: Non-Finnish European, 0.0057%; no homozygotes.

Submission:

Labcorp Genetics (formerly Invitae), Labcorp
Classification: Uncertain significance. Last evaluated: 2025-05-19. Review status: criteria provided, single submitter. Criteria: Invitae Variant Classification Sherloc (09022015). Collection method: clinical testing. Allele origin: germline.
Comment: This sequence change replaces alanine, which is neutral and non-polar, with threonine, which is neutral and polar, at codon 135 of the TEAD1 protein (p.Ala135Thr). This variant is present in population databases (rs368995296, gnomAD 0.004%). This variant has not been reported in the literature in individuals affected with TEAD1-related conditions. ClinVar contains an entry for this variant (Variation ID: 1054987). Invitae Evidence Modeling of protein sequence and biophysical properties (such as structural, functional, and spatial information, amino acid conservation, physicochemical variation, residue mobility, and thermodynamic stability) indicates that this missense variant is not expected to disrupt TEAD1 protein function with a negative predictive value of 80%. In summary, the available evidence is currently insufficient to determine the role of this variant in disease. Therefore, it has been classified as a Variant of Uncertain Significance.